The following is an entry in ClinVar:

ClinVar aggregate classification (germline): Conflicting classifications of pathogenicity. Review status: criteria provided, conflicting classifications (1 of 4 stars). 2 submissions from 2 submitters: Uncertain significance (1); Likely benign (1). Last evaluated 2025-08-29.

Conditions:
Inborn genetic diseases. Identifiers: MedGen C0950123, MeSH D030342.
Sulfite oxidase deficiency due to molybdenum cofactor deficiency type C. Also called: Molybdenum cofactor deficiency, complementation group C; Molybdenum cofactor deficiency C. Identifiers: Orphanet 308400, Orphanet 833, MedGen C1854990, MONDO:0014212, OMIM 615501.

Submissions (2):

Ambry Genetics
Classification: Likely benign for Inborn genetic diseases. Last evaluated: 2025-08-29. Review status: criteria provided, single submitter. Criteria: Ambry Variant Classification Scheme 2023. Collection method: clinical testing. Allele origin: germline.

Labcorp Genetics (formerly Invitae), Labcorp
Classification: Uncertain significance for Sulfite oxidase deficiency due to molybdenum cofactor deficiency type C. Last evaluated: 2022-07-01. Review status: criteria provided, single submitter. Criteria: Invitae Variant Classification Sherloc (09022015). Collection method: clinical testing. Allele origin: germline.
Comment: This sequence change affects codon 543 of the GPHN mRNA. It is a 'silent' change, meaning that it does not change the encoded amino acid sequence of the GPHN protein. It affects a nucleotide within the consensus splice site. In summary, the available evidence is currently insufficient to determine the role of this variant in disease. Therefore, it has been classified as a Variant of Uncertain Significance. Algorithms developed to predict the effect of sequence changes on RNA splicing suggest that this variant is not likely to affect RNA splicing. This variant has not been reported in the literature in individuals affected with GPHN-related conditions. This variant is not present in population databases (gnomAD no frequency).

NM_020806.5(GPHN):c.1627C>T (p.Leu543=)

Gene: GPHN (gephyrin; plus strand). Cytogenetic location: 14q23.3.
Variant type: single nucleotide variant.
Coding change: c.1627C>T on transcript NM_020806.5 (MANE Select); coding-DNA position 1627, C replaced by T.
Protein change: p.Leu543=; no amino-acid change (leucine 543 retained).
Molecular consequence: synonymous variant.
Genome position (GRCh38, 1-based): chr14:67,122,256, C>T. VCF-style: chr14-67122256-C-T. GRCh37 (hg19) VCF-style: chr14-67588973-C-T.
Other names: c.1627C>T (NM_020806.4); c.1528C>T, p.Leu510= (NM_001024218.2); c.1687C>T, p.Leu563= (NM_001377514.1); c.1657C>T, p.Leu553= (NM_001377515.1); c.1648C>T, p.Leu550= (NM_001377516.1); c.1600C>T, p.Leu534= (NM_001377517.1); c.1585C>T, p.Leu529= (NM_001377518.1); c.1567C>T, p.Leu523= (NM_001377519.1).
Identifiers: ClinVar variation 2012780 (VCV002012780.5), dbSNP rs2079054125, ClinGen allele CA486943550.